The following is an entry in ClinVar:

ClinVar aggregate classification (germline): Pathogenic (1 of 4 stars; one submission).

Conditions:
Mucopolysaccharidosis, MPS-III-A (MPS3A). Also called: HEPARAN SULFATE SULFATASE DEFICIENCY; SANFILIPPO SYNDROME A; SULFAMIDASE DEFICIENCY; MPS III A; Mucopolysaccharidosis, type IIIA; MUCOPOLYSACCHARIDOSIS, TYPE IIIA, ATTENUATED. Identifiers: Orphanet 581, Orphanet 79269, MedGen C0086647, MONDO:0009655, OMIM 252900.

Allele frequency attached by ClinVar (database versions not stated): gnomAD exomes below 0.00001.

Submission:

Labcorp Genetics (formerly Invitae), Labcorp
Classification: Pathogenic for Mucopolysaccharidosis, MPS-III-A. Last evaluated: 2022-04-21. Review status: criteria provided, single submitter. Criteria: Invitae Variant Classification Sherloc (09022015). Collection method: clinical testing. Allele origin: germline.
Comment: For these reasons, this variant has been classified as Pathogenic. This variant has not been reported in the literature in individuals affected with SGSH-related conditions. This variant is not present in population databases (gnomAD no frequency). This sequence change creates a premature translational stop signal (p.Thr130Serfs*133) in the SGSH gene. It is expected to result in an absent or disrupted protein product. Loss-of-function variants in SGSH are known to be pathogenic (PMID: 11182930, 21204211, 22976768).

Literature cited by the submitters: PubMed 11182930; PubMed 21204211; PubMed 22976768.

NM_000199.5(SGSH):c.389_392del (p.Thr130fs)

Gene: SGSH (N-sulfoglucosamine sulfohydrolase; minus strand). Cytogenetic location: 17q25.3.
Variant type: Deletion.
Coding change: c.389_392del on transcript NM_000199.5 (MANE Select); coding-DNA positions 389 to 392, 4 bases deleted (CCGT; older notation c.389_392delCCGT).
Protein change: p.Thr130fs; shifts the reading frame from threonine 130.
Molecular consequence: frameshift variant. On other transcripts: non-coding transcript variant (1).
Genome position (GRCh38, 1-based): chr17:80,214,729-80,214,732, ACGG deleted on the plus strand (CCGT on the coding strand, the reverse complement: SGSH is on the minus strand). VCF-style (leftmost placement, unchanged base first): chr17-80214728-CACGG-C. GRCh37 (hg19) VCF-style: chr17-78188527-CACGG-C.
Other names: c.389_392del, p.Thr130fs (NM_001352921.3, NM_001352922.2); short protein forms T130fs.
Identifiers: ClinVar variation 2128742 (VCV002128742.4), dbSNP rs2510894183, ClinGen allele CA2580095331.